The following is an entry in ClinVar:

ClinVar aggregate classification (germline): Conflicting classifications of pathogenicity. Review status: criteria provided, conflicting classifications (1 of 4 stars). 3 submissions from 3 submitters: Pathogenic (1); Likely pathogenic (1); Uncertain significance (1). Last evaluated 2019-08-20.

Conditions:
Distal symphalangism. Identifiers: Orphanet 3248, MedGen C1861401, MONDO:0008509, OMIM 185700, HP:0100263.
Brachydactyly type B1 (BDB1). Identifiers: Orphanet 572385, Orphanet 93383, MedGen C1862112, MONDO:0007220, OMIM 113000.

Submissions (3):

GeneDx
Classification: Uncertain significance. Last evaluated: 2019-08-20. Review status: criteria provided, single submitter. Criteria: GeneDx Variant Classification Process June 2021. Collection method: clinical testing. Allele origin: germline. Affected: yes.
Comment: Nonsense variant predicted to result in protein truncation, although loss-of-function variants have not been reported downstream of this position in the protein; Not observed in large population cohorts (Lek et al., 2016); Has not been previously published as pathogenic or benign to our knowledge

Baylor Genetics
Classification: Pathogenic for Brachydactyly type B1. Last evaluated: 2019-08-16. Review status: criteria provided, single submitter. Criteria: ACMG Guidelines, 2015. Collection method: clinical testing. Allele origin: unknown. Affected: yes.
Comment: This variant was determined to be pathogenic according to ACMG Guidelines, 2015 [PMID:25741868].

Center of Excellence in Precision Medicine and Digital Health (CEPMDH), Faculty of Dentistry, Chulalongkorn University
Classification: Likely pathogenic for Distal symphalangism. Review status: criteria provided, single submitter. Criteria: ACMG Guidelines, 2015. Collection method: research. Allele origin: germline. Inheritance: Autosomal dominant inheritance. Affected: yes. Observed: 2 variant alleles.
Comment: The c.2305C>T missense variant in ROR2 was identified in a Thai family with distal symphalangism and dental anomalies. This variant was present in the proband and the mother. Yang L. et al. (2024) reported a ROR2 variant associated with distal symphalangism. Biedziak B. et al. (2022) and Tamhankar P.M. et al. (2014) reported ROR2 variants associated with dental anomalies. In summary, the c.2305C>T variant is classified as likely pathogenic according to ACMG guidelines.

Literature cited by the submitters: PubMed 38504427 (cited by Center of Excellence in Precision Medicine and Digital Health (CEPMDH), Faculty of Dentistry, Chulalongkorn University); PubMed 36294409 (cited by Center of Excellence in Precision Medicine and Digital Health (CEPMDH), Faculty of Dentistry, Chulalongkorn University); PubMed 24932600 (cited by Center of Excellence in Precision Medicine and Digital Health (CEPMDH), Faculty of Dentistry, Chulalongkorn University).

NM_004560.4(ROR2):c.2305C>T (p.Gln769Ter)

Gene: ROR2 (ROR family WNT receptor 2; minus strand). Cytogenetic location: 9q22.31.
Variant type: single nucleotide variant.
Coding change: c.2305C>T on transcript NM_004560.4 (MANE Select); coding-DNA position 2305, C replaced by T.
Protein change: p.Gln769Ter; replaces glutamine 769 with a stop codon.
Molecular consequence: nonsense.
Genome position (GRCh38, 1-based): chr9:91,724,189, G>A on the plus strand (C>T on the coding strand, the complement: ROR2 is on the minus strand). VCF-style: chr9-91724189-G-A. GRCh37 (hg19) VCF-style: chr9-94486471-G-A.
Other names: short protein forms Q769*.
Identifiers: ClinVar variation 1030817 (VCV001030817.4), dbSNP rs1836911147, ClinGen allele CA373794809.